The following is an entry in ClinVar:

NM_016103.4(SAR1B):c.83_84del (p.Leu28fs)

Gene: SAR1B (secretion associated Ras related GTPase 1B; minus strand). Cytogenetic location: 5q31.1.
Variant type: Deletion.
Coding change: c.83_84del on transcript NM_016103.4 (MANE Select); coding-DNA positions 83 to 84, 2 bases deleted (TG; older notation c.83_84delTG).
Protein change: p.Leu28fs; shifts the reading frame from leucine 28.
Molecular consequence: frameshift variant.
Genome position (GRCh38, 1-based): chr5:134,621,027-134,621,028, CA deleted on the plus strand (TG on the coding strand, the reverse complement: SAR1B is on the minus strand). VCF-style (leftmost placement, unchanged base first): chr5-134621026-CCA-C. GRCh37 (hg19) VCF-style: chr5-133956716-CCA-C.
Other names: c.83_84del, p.Leu28fs (NM_001033503.3); c.83_84delTG (NM_001033503.2); short protein forms L28fs.
Identifiers: ClinVar variation 1209895 (VCV001209895.7), dbSNP rs755928019, ClinGen allele CA3414557.

ClinVar aggregate classification (germline): Pathogenic. Review status: criteria provided, multiple submitters, no conflicts (2 of 4 stars). 4 submissions from 4 submitters: Pathogenic (2). 2 of the submissions do not count toward it. Last evaluated 2023-08-14.

Conditions:
Inborn genetic diseases. Identifiers: MedGen C0950123, MeSH D030342.

Allele frequency attached by ClinVar (database versions not stated): gnomAD exomes 0.00002 and 0.00004; TOPMed 0.00002; ExAC 0.00003; gnomAD 0.00003.

Submissions (4):

Labcorp Genetics (formerly Invitae), Labcorp
Classification: Pathogenic. Last evaluated: 2023-08-14. Review status: criteria provided, single submitter. Criteria: Invitae Variant Classification Sherloc (09022015). Collection method: clinical testing. Allele origin: germline.
Comment: This variant is present in population databases (rs755928019, gnomAD 0.005%). This premature translational stop signal has been observed in individual(s) with clinical features of chylomicron retention disease (PMID: 21235735, 29713611, 30782561). ClinVar contains an entry for this variant (Variation ID: 1209895). For these reasons, this variant has been classified as Pathogenic. This sequence change creates a premature translational stop signal (p.Leu28Argfs*7) in the SAR1B gene. It is expected to result in an absent or disrupted protein product. Loss-of-function variants in SAR1B are known to be pathogenic (PMID: 12692552, 17945526).

Ambry Genetics
Classification: Pathogenic for Inborn genetic diseases. Last evaluated: 2022-07-17. Review status: criteria provided, single submitter. Criteria: Ambry Variant Classification Scheme 2023. Collection method: clinical testing. Allele origin: germline.
Comment: The c.83_84delTG (p.L28Rfs*7) alteration, located in exon 4 (coding exon 2) of the SAR1B gene, consists of a deletion of 2 nucleotides from position 83 to 84, causing a translational frameshift with a predicted alternate stop codon after 7 amino acids. This alteration is expected to result in loss of function by premature protein truncation or nonsense-mediated mRNA decay. Based on data from gnomAD, the c.83_84delTG allele has an overall frequency of <0.01% (6/251398) total alleles studied. The highest observed frequency was 0.01% (6/113708) of European (non-Finnish) alleles. This variant was identified in the homozygous state in several individuals with chylomicron retention disease (Georges, 2011; Ferreira, 2018; Blanco-Vaca, 2019). In one family, the affected proband was homozygous for this variant as was the proband's mother who had no evidence of chylomicron retention disease (Cefal&ugrave;, 2010). Based on the available evidence, this alteration is classified as pathogenic.

Clinical Genetics, Academic Medical Center
Classification: Pathogenic. Review status: no assertion criteria provided. Collection method: clinical testing. Allele origin: germline. Affected: yes. Study: VKGL Data-share Consensus. Not counted in ClinVar's aggregate classification.

Genome Diagnostics Laboratory, Amsterdam University Medical Center
Classification: Pathogenic. Review status: no assertion criteria provided. Collection method: clinical testing. Allele origin: germline. Affected: yes. Study: VKGL Data-share Consensus. Not counted in ClinVar's aggregate classification.

Literature cited by the submitters: PubMed 21235735 (cited by Labcorp Genetics (formerly Invitae), Labcorp and Ambry Genetics); PubMed 29713611 (cited by Labcorp Genetics (formerly Invitae), Labcorp and Ambry Genetics); PubMed 30782561 (cited by Labcorp Genetics (formerly Invitae), Labcorp and Ambry Genetics); PubMed 12692552 (cited by Labcorp Genetics (formerly Invitae), Labcorp); PubMed 17945526 (cited by Labcorp Genetics (formerly Invitae), Labcorp); PubMed 19846172 (cited by Ambry Genetics).